The following is an entry in ClinVar:

ClinVar aggregate classification (germline): Uncertain significance (1 of 4 stars; one submission).

Allele frequency attached by ClinVar (database versions not stated): TOPMed below 0.00001; gnomAD 0.00001.

Submission:

Labcorp Genetics (formerly Invitae), Labcorp
Classification: Uncertain significance. Last evaluated: 2023-04-28. Review status: criteria provided, single submitter. Criteria: Invitae Variant Classification Sherloc (09022015). Collection method: clinical testing. Allele origin: germline.
Comment: In summary, the available evidence is currently insufficient to determine the role of this variant in disease. Therefore, it has been classified as a Variant of Uncertain Significance. Advanced modeling of protein sequence and biophysical properties (such as structural, functional, and spatial information, amino acid conservation, physicochemical variation, residue mobility, and thermodynamic stability) has been performed at Invitae for this missense variant, however the output from this modeling did not meet the statistical confidence thresholds required to predict the impact of this variant on KMT2A protein function. This variant has not been reported in the literature in individuals affected with KMT2A-related conditions. This variant is not present in population databases (gnomAD no frequency). This sequence change replaces alanine, which is neutral and non-polar, with serine, which is neutral and polar, at codon 81 of the KMT2A protein (p.Ala81Ser).

NM_001197104.2(KMT2A):c.241G>T (p.Ala81Ser)

Gene: KMT2A (lysine methyltransferase 2A; plus strand). Cytogenetic location: 11q23.3.
Variant type: single nucleotide variant.
Coding change: c.241G>T on transcript NM_001197104.2 (MANE Select); coding-DNA position 241, G replaced by T.
Protein change: p.Ala81Ser; replaces alanine 81 with serine.
Molecular consequence: missense variant.
Genome position (GRCh38, 1-based): chr11:118,436,753, G>T. VCF-style: chr11-118436753-G-T. GRCh37 (hg19) VCF-style: chr11-118307468-G-T.
Other names: c.241G>T, p.Ala81Ser (NM_001412597.1, NM_005933.4); short protein forms A81S.
Identifiers: ClinVar variation 2799100 (VCV002799100.3), dbSNP rs1555138660, ClinGen allele CA382797779.